The following is an entry in ClinVar:

ClinVar aggregate classification (germline): Benign/Likely benign. Review status: criteria provided, multiple submitters, no conflicts (2 of 4 stars). 7 submissions from 7 submitters: Benign (4); Likely benign (3). Last evaluated 2026-01-21.

Conditions:
Joubert syndrome 1 (JBTS1). Also called: CEREBELLOPARENCHYMAL DISORDER IV; Cerebellooculorenal syndrome 1. Identifiers: MedGen C4551568, MONDO:0008944, OMIM 213300.
Joubert syndrome. Also called: JOUBERT-BOLTSHAUSER SYNDROME; Familial aplasia of the vermis. Identifiers: Orphanet 475, MedGen C5979921, MONDO:0018772.

Allele frequency attached by ClinVar (database versions not stated): gnomAD exomes 0.00085; ExAC 0.00267; ESP Exome Variant Server 0.00384; gnomAD 0.00391 and 0.00415; 1000 Genomes Project 0.00419; TOPMed 0.00446; 1000 Genomes Project 30x 0.00453.
gnomAD v4.1: 1,175 of 1,567,274 alleles (0.075%); highest among the groups gnomAD compares: African/African-American, 1.4%; 7 homozygotes.

Submissions (7):

Labcorp Genetics (formerly Invitae), Labcorp
Classification: Benign for Joubert syndrome. Last evaluated: 2026-01-21. Review status: criteria provided, single submitter. Criteria: Invitae Variant Classification Sherloc (09022015). Collection method: clinical testing. Allele origin: germline.

CeGaT Center for Human Genetics Tuebingen
Classification: Likely benign. Last evaluated: 2026-01-01. Review status: criteria provided, single submitter. Criteria: CeGaT Center For Human Genetics Tuebingen Variant Classification Criteria Version 2. Collection method: clinical testing. Allele origin: germline. Affected: yes. Observed: 3 variant alleles.
Comment: INPP5E: BS1

Mayo Clinic Laboratories, Mayo Clinic
Classification: Likely benign. Last evaluated: 2025-04-26. Review status: criteria provided, single submitter. Criteria: ACMG Guidelines, 2015. Collection method: clinical testing. Allele origin: germline. Observed: 2 variant alleles.
Comment: BS1

Blueprint Genetics
Classification: Likely benign. Last evaluated: 2024-11-27. Review status: criteria provided, single submitter. Criteria: ACMG Guidelines, 2015. Collection method: clinical testing. Allele origin: germline.

Illumina Laboratory Services, Illumina
Classification: Benign for Joubert syndrome 1. Last evaluated: 2018-01-12. Review status: criteria provided, single submitter. Criteria: ICSL Variant Classification Criteria 13 December 2019. Collection method: clinical testing. Allele origin: germline.
Comment: This variant was observed in the ICSL laboratory as part of a predisposition screen in an ostensibly healthy population. It had not been previously curated by ICSL or reported in the Human Gene Mutation Database (HGMD: prior to June 1st, 2018), and was therefore a candidate for classification through an automated scoring system. Utilizing variant allele frequency, disease prevalence and penetrance estimates, and inheritance mode, an automated score was calculated to assess if this variant is too frequent to cause the disease. Based on the score and internal cut-off values, a variant classified as benign is not then subjected to further curation. The score for this variant resulted in a classification of benign for this disease.

Breakthrough Genomics
Classification: Benign. Review status: criteria provided, single submitter. Criteria: ACMG Guidelines, 2015. Collection method: not provided. Allele origin: germline. Inheritance: Autosomal recessive inheritance. Affected: yes.

PreventionGenetics, part of Exact Sciences
Classification: Benign. Review status: criteria provided, single submitter. Criteria: ACMG Guidelines, 2015. Collection method: clinical testing. Allele origin: germline.

NM_019892.6(INPP5E):c.791G>A (p.Arg264His)

Gene: INPP5E (inositol polyphosphate-5-phosphatase E; minus strand). Cytogenetic location: 9q34.3.
Variant type: single nucleotide variant.
Coding change: c.791G>A on transcript NM_019892.6 (MANE Select); coding-DNA position 791, G replaced by A.
Protein change: p.Arg264His; replaces arginine 264 with histidine.
Molecular consequence: missense variant.
Genome position (GRCh38, 1-based): chr9:136,438,629, C>T on the plus strand (G>A on the coding strand, the complement: INPP5E is on the minus strand). VCF-style: chr9-136438629-C-T. GRCh37 (hg19) VCF-style: chr9-139333081-C-T.
Other names: p.Arg264His; c.791G>A, p.Arg264His (NM_001318502.2); short protein forms R264H.
Identifiers: ClinVar variation 261202 (VCV000261202.44), dbSNP rs202197173, ClinGen allele CA5337076.